The following is an entry in ClinVar:

ClinVar aggregate classification (germline): Likely benign (1 of 4 stars; one submission).

Allele frequency attached by ClinVar (database versions not stated): ExAC 0.00002; gnomAD 0.00048.

Submission:

CeGaT Center for Human Genetics Tuebingen
Classification: Likely benign. Last evaluated: 2023-11-01. Review status: criteria provided, single submitter. Criteria: CeGaT Center For Human Genetics Tuebingen Variant Classification Criteria Version 2. Collection method: clinical testing. Allele origin: germline. Affected: yes. Observed: 1 variant allele.
Comment: PRB2: BP4, BP7

NM_006248.4(PRB2):c.822T>C (p.Pro274=)

Gene: PRB2 (proline rich protein BstNI subfamily 2). Cytogenetic location: 12p13.2.
Variant type: single nucleotide variant.
Coding change: c.822T>C on transcript NM_006248.4 (MANE Select); coding-DNA position 822, T replaced by C.
Protein change: p.Pro274=; no amino-acid change (proline 274 retained).
Molecular consequence: synonymous variant.
Genome position (GRCh38, 1-based): chr12:11,393,256, A>G on the plus strand (T>C on the coding strand, the complement: PRB2 is on the minus strand). VCF-style: chr12-11393256-A-G. GRCh37 (hg19) VCF-style: chr12-11546190-A-G.
Identifiers: ClinVar variation 2672490 (VCV002672490.23), dbSNP rs762799958, ClinGen allele CA6453467.